The following is an entry in ClinVar:

NM_004304.5(ALK):c.389G>T (p.Gly130Val)

Gene: ALK (ALK receptor tyrosine kinase; minus strand). Cytogenetic location: 2p23.1.
Variant type: single nucleotide variant.
Coding change: c.389G>T on transcript NM_004304.5 (MANE Select); coding-DNA position 389, G replaced by T.
Protein change: p.Gly130Val; replaces glycine 130 with valine.
Molecular consequence: missense variant.
Genome position (GRCh38, 1-based): chr2:29,920,271, C>A on the plus strand (G>T on the coding strand, the complement: ALK is on the minus strand). VCF-style: chr2-29920271-C-A. GRCh37 (hg19) VCF-style: chr2-30143137-C-A.
Other names: short protein forms G130V.
Identifiers: ClinVar variation 538220 (VCV000538220.10), dbSNP rs1553380330, ClinGen allele CA346590139.

ClinVar aggregate classification (germline): Uncertain significance. Review status: criteria provided, multiple submitters, no conflicts (2 of 4 stars). 2 submissions from 2 submitters: Uncertain significance (2). Last evaluated 2025-11-09.

Conditions:
Hereditary cancer-predisposing syndrome. Also called: Neoplastic Syndromes, Hereditary; Tumor predisposition; Hereditary Cancer Syndrome; Hereditary neoplastic syndrome. Identifiers: Orphanet 140162, MedGen C0027672, MeSH D009386, MONDO:0015356.
Neuroblastoma, susceptibility to, 3. Also called: ALK-Related Neuroblastic Tumor Susceptibility. Identifiers: Orphanet 635, MedGen C2751681, MONDO:0013083, OMIM 613014.

gnomAD v4.1: 1 of 1,593,966 alleles (0.000063%); highest among the groups gnomAD compares: Non-Finnish European, 0.000085%; no homozygotes.

Submissions (2):

Labcorp Genetics (formerly Invitae), Labcorp
Classification: Uncertain significance for Neuroblastoma, susceptibility to, 3. Last evaluated: 2025-11-09. Review status: criteria provided, single submitter. Criteria: Invitae Variant Classification Sherloc (09022015). Collection method: clinical testing. Allele origin: germline.
Comment: This sequence change replaces glycine, which is neutral and non-polar, with valine, which is neutral and non-polar, at codon 130 of the ALK protein (p.Gly130Val). This variant is not present in population databases (gnomAD no frequency). This variant has not been reported in the literature in individuals affected with ALK-related conditions. ClinVar contains an entry for this variant (Variation ID: 538220). An algorithm developed to predict the effect of missense changes on protein structure and function (PolyPhen-2) suggests that this variant is likely to be disruptive. In summary, the available evidence is currently insufficient to determine the role of this variant in disease. Therefore, it has been classified as a Variant of Uncertain Significance.

Ambry Genetics
Classification: Uncertain significance for Hereditary cancer-predisposing syndrome. Last evaluated: 2024-08-04. Review status: criteria provided, single submitter. Criteria: Ambry Variant Classification Scheme 2023. Collection method: clinical testing. Allele origin: germline.
Comment: The p.G130V variant (also known as c.389G>T), located in coding exon 1 of the ALK gene, results from a G to T substitution at nucleotide position 389. The glycine at codon 130 is replaced by valine, an amino acid with dissimilar properties. This amino acid position is conserved. In addition, this alteration is predicted to be deleterious by in silico analysis. Based on the available evidence, the clinical significance of this variant remains unclear.